The following is an entry in ClinVar:

NM_001184.4(ATR):c.2776T>C (p.Phe926Leu)

Gene: ATR (ATR checkpoint kinase; minus strand). Cytogenetic location: 3q23.
Variant type: single nucleotide variant.
Coding change: c.2776T>C on transcript NM_001184.4 (MANE Select); coding-DNA position 2776, T replaced by C.
Protein change: p.Phe926Leu; replaces phenylalanine 926 with leucine.
Molecular consequence: missense variant.
Genome position (GRCh38, 1-based): chr3:142,553,256, A>G on the plus strand (T>C on the coding strand, the complement: ATR is on the minus strand). VCF-style: chr3-142553256-A-G. GRCh37 (hg19) VCF-style: chr3-142272098-A-G.
Other names: c.2584T>C, p.Phe862Leu (NM_001354579.2); short protein forms F926L, F862L.
Identifiers: ClinVar variation 343612 (VCV000343612.32), dbSNP rs141783863, ClinGen allele CA2650282.

ClinVar aggregate classification (germline): Conflicting classifications of pathogenicity. Review status: criteria provided, conflicting classifications (1 of 4 stars). 9 submissions from 9 submitters: Uncertain significance (3); Benign (1); Likely benign (2). 3 of the submissions do not count toward it. Last evaluated 2026-02-01.

Conditions:
Seckel syndrome 1 (SCKL1). Also called: MICROCEPHALIC PRIMORDIAL DWARFISM I. Identifiers: Orphanet 808, MedGen C4551474, MONDO:0008869, OMIM 210600.
ATR-related disorder. Also called: ATR-related condition.

Allele frequency attached by ClinVar (database versions not stated): ESP Exome Variant Server 0.00092; gnomAD exomes 0.00109 and 0.00157; gnomAD 0.00115 and 0.00119; TOPMed 0.00119; ExAC 0.00120; 1000 Genomes Project 30x 0.00031; 1000 Genomes Project 0.00040.
gnomAD v4.1: 2,438 of 1,614,180 alleles (0.15%); highest among the groups gnomAD compares: Non-Finnish European, 0.19%; no homozygotes.

Submissions (9):

Labcorp Genetics (formerly Invitae), Labcorp
Classification: Benign. Last evaluated: 2026-02-01. Review status: criteria provided, single submitter. Criteria: Invitae Variant Classification Sherloc (09022015). Collection method: clinical testing. Allele origin: germline.

Blueprint Genetics
Classification: Likely benign. Last evaluated: 2024-11-19. Review status: criteria provided, single submitter. Criteria: ACMG Guidelines, 2015. Collection method: clinical testing. Allele origin: germline.

ARUP Laboratories, Molecular Genetics and Genomics, ARUP Laboratories
Classification: Uncertain significance. Last evaluated: 2021-12-01. Review status: criteria provided, single submitter. Criteria: ARUP Molecular Germline Variant Investigation Process 2021. Collection method: clinical testing. Allele origin: germline.
Comment: The ATR c.2776T>C; p.Phe926Leu variant (rs141783863), to our knowledge, is not reported in the medical literature but is reported in ClinVar (Variation ID: 343612). This variant is found in the Non-Finnish European population with an allele frequency of 0.19% (245/129028 alleles) in the Genome Aggregation Database. The phenylalanine at codon 926 is moderately conserved, but computation analyses are uncertain whether this variant is neutral or deleterious. (REVEL: 0.377). Due to limited information, the clinical significance of the p.Phe926Leu variant is uncertain at this time.

Illumina Laboratory Services, Illumina
Classification: Uncertain significance for Seckel syndrome 1. Last evaluated: 2018-01-13. Review status: criteria provided, single submitter. Criteria: ICSL Variant Classification Criteria 13 December 2019. Collection method: clinical testing. Allele origin: germline.

GeneDx
Classification: Likely benign. Last evaluated: 2017-11-28. Review status: criteria provided, single submitter. Criteria: GeneDx Variant Classification (06012015). Collection method: clinical testing. Allele origin: germline. Affected: yes.
Comment: This variant is considered likely benign or benign based on one or more of the following criteria: it is a conservative change, it occurs at a poorly conserved position in the protein, it is predicted to be benign by multiple in silico algorithms, and/or has population frequency not consistent with disease.

Genetic Services Laboratory, University of Chicago
Classification: Uncertain significance. Last evaluated: 2016-06-24. Review status: criteria provided, single submitter. Criteria: ACMG Guidelines, 2015. Collection method: clinical testing. Allele origin: germline. Affected: no.

PreventionGenetics, part of Exact Sciences
Classification: Likely benign for ATR-related condition. Last evaluated: 2022-04-17. Review status: no assertion criteria provided. Collection method: clinical testing. Allele origin: germline. Not counted in ClinVar's aggregate classification.
Comment: This variant is classified as likely benign based on ACMG/AMP sequence variant interpretation guidelines (Richards et al. 2015 PMID: 25741868, with internal and published modifications).

Clinical Genetics DNA and cytogenetics Diagnostics Lab, Erasmus MC, Erasmus Medical Center
Classification: Likely benign. Review status: no assertion criteria provided. Collection method: clinical testing. Allele origin: germline. Affected: yes. Study: VKGL Data-share Consensus. Not counted in ClinVar's aggregate classification.

Laboratory of Diagnostic Genome Analysis, Leiden University Medical Center (LUMC)
Classification: Likely benign. Review status: no assertion criteria provided. Collection method: clinical testing. Allele origin: germline. Affected: yes. Study: VKGL Data-share Consensus. Not counted in ClinVar's aggregate classification.